The following is an entry in ClinVar:

NM_001042492.3(NF1):c.4110+2T>C

Gene: NF1 (neurofibromin 1; plus strand). Cytogenetic location: 17q11.2.
Variant type: single nucleotide variant.
Coding change: c.4110+2T>C on transcript NM_001042492.3 (MANE Select); the canonical splice donor site of the intron after coding-DNA position 4110, T replaced by C.
Molecular consequence: splice donor variant.
Genome position (GRCh38, 1-based): chr17:31,249,121, T>C. VCF-style: chr17-31249121-T-C. GRCh37 (hg19) VCF-style: chr17-29576139-T-C.
Other names: c.4110+2T>C (NM_000267.4).
Identifiers: ClinVar variation 3236253 (VCV003236253.1), dbSNP rs2151451702, ClinGen allele CA398995114.

ClinVar aggregate classification (germline): Pathogenic (1 of 4 stars; one submission).

Conditions:
Neurofibromatosis, type 1 (NF1). Also called: VON RECKLINGHAUSEN DISEASE; Neurofibromatosis, type I; NEUROFIBROMATOSIS, TYPE I, SOMATIC; Peripheral type neurofibromatosis. Identifiers: Orphanet 636, MedGen C0027831, MONDO:0018975, OMIM 162200. Disease mechanism: loss of function.

Submission:

MVZ Medizinische Genetik Mainz
Classification: Pathogenic for Neurofibromatosis, type 1. Last evaluated: 2022-07-27. Review status: criteria provided, single submitter. Criteria: UK Practice Guidelines For Variant Classification V4 01 2020. Collection method: clinical testing. Allele origin: germline. Inheritance: Autosomal dominant inheritance. Affected: yes. Observed: 1 variant allele.
Comment: ACMG Criteria: PVS1,PM2_SUP_MOD